The following is an entry in ClinVar:

NM_003611.3(OFD1):c.2420A>C (p.Lys807Thr)

Gene: OFD1 (OFD1 centriole and centriolar satellite protein; plus strand). Cytogenetic location: Xp22.2.
Variant type: single nucleotide variant.
Coding change: c.2420A>C on transcript NM_003611.3 (MANE Select); coding-DNA position 2420, A replaced by C.
Protein change: p.Lys807Thr; replaces lysine 807 with threonine.
Molecular consequence: missense variant.
Genome position (GRCh38, 1-based): chrX:13,762,376, A>C. VCF-style: chrX-13762376-A-C. GRCh37 (hg19) VCF-style: chrX-13780495-A-C.
Other names: c.2300A>C, p.Lys767Thr (NM_001330209.2); c.2000A>C, p.Lys667Thr (NM_001330210.2); short protein forms K667T, K767T, K807T.
Identifiers: ClinVar variation 3377587 (VCV003377587.1).

ClinVar aggregate classification (germline): Uncertain significance (1 of 4 stars; one submission).

Conditions:
Orofaciodigital syndrome I (OFD1). Also called: OFDS I; Oral-Facial-Digital Syndrome Type I; Papillon-Leage and Psaume Syndrome. Identifiers: Orphanet 2750, MedGen C1510460, MONDO:0010702, OMIM 311200.

Submission:

Neuberg Centre For Genomic Medicine, NCGM
Classification: Uncertain significance for Orofaciodigital syndrome I. Review status: criteria provided, single submitter. Criteria: ACMG Guidelines, 2015. Collection method: clinical testing. Allele origin: germline. Inheritance: X-linked dominant inheritance. Affected: yes.
Comment: The observed missense variant c.2420A>C(p.Lys807Thr) in the OFD1 gene has not been reported previously as a pathogenic variant nor as a benign variant, to our knowledge. This variant is reported with the allele frequency 0.0005% in the gnomAD Exomes. The amino acid Lys at position 807 is changed to a Thr changing protein sequence and it might alter its composition and physico-chemical properties. Multiple lines of computational evidence (Polyphen - Benign, SIFT - Tolerated and MutationTaster - Polymorphism) predict no damaging effect on protein structure and function for this variant. The residue is conserved by GERP++ and PhyloP across 100 vertebrates. For these reasons, this variant has been classified as Uncertain Significance.